The following is an entry in ClinVar:

ClinVar aggregate classification (germline): Benign/Likely benign. Review status: criteria provided, multiple submitters, no conflicts (2 of 4 stars). 8 submissions from 8 submitters: Benign (1); Likely benign (5). 2 of the submissions do not count toward it. Last evaluated 2025-11-11.

Conditions:
Hereditary breast ovarian cancer syndrome. Also called: BRCA1- and BRCA2-Associated Hereditary Breast and Ovarian Cancer; Hereditary breast and ovarian cancer syndrome; Breast and ovarian cancer; Hereditary breast and ovarian cancer syndrome (HBOC); Hereditary breast and ovarian cancer; Hereditary breast and/or ovarian cancer syndrome. Identifiers: Orphanet 145, MedGen C0677776, MeSH D061325, MONDO:0003582. Disease mechanism: loss of function.
Hereditary cancer-predisposing syndrome. Also called: Hereditary Cancer Syndrome; Hereditary neoplastic syndrome; Neoplastic Syndromes, Hereditary; Tumor predisposition. Identifiers: Orphanet 140162, MedGen C0027672, MeSH D009386, MONDO:0015356.
Breast-ovarian cancer, familial, susceptibility to, 2 (BROVCA2). Also called: BRCA2 Hereditary Breast and Ovarian Cancer. Identifiers: Orphanet 145, MedGen C2675520, MONDO:0012933, OMIM 612555. Disease mechanism: loss of function.

Allele frequency attached by ClinVar (database versions not stated): gnomAD exomes below 0.00001; gnomAD 0.00001; TOPMed 0.00001.
gnomAD v4.1: 2 of 1,604,172 alleles (0.00012%); highest among the groups gnomAD compares: Non-Finnish European, 0.00017%; no homozygotes.

Submissions (8):

Labcorp Genetics (formerly Invitae), Labcorp
Classification: Likely benign for Hereditary breast ovarian cancer syndrome. Last evaluated: 2025-11-11. Review status: criteria provided, single submitter. Criteria: Invitae Variant Classification Sherloc (09022015). Collection method: clinical testing. Allele origin: germline.

All of Us Research Program, National Institutes of Health
Classification: Likely benign for Breast-ovarian cancer, familial, susceptibility to, 2. Last evaluated: 2023-12-13. Review status: criteria provided, single submitter. Criteria: ACMG Guidelines, 2015. Collection method: clinical testing. Allele origin: germline. Inheritance: Autosomal dominant inheritance. Observed: 6 variant alleles, 6 heterozygotes.
Comment: This study involves interpretation of variants in research participants for the purpose of population health screening. Participant phenotype was not available at the time of variant classification. Additional details can be found in publication PMID: 35346344, PMCID: PMC8962531

Women's Health and Genetics/Laboratory Corporation of America, LabCorp
Classification: Likely benign. Last evaluated: 2020-08-25. Review status: criteria provided, single submitter. Criteria: LabCorp Variant Classification Summary - May 2015. Collection method: clinical testing. Allele origin: germline.
Comment: Variant summary: BRCA2 c.7977-15T>G alters a non-conserved nucleotide located close to a canonical splice site and therefore could affect mRNA splicing, leading to a significantly altered protein sequence. 4/4 computational tools predict no significant impact on normal splicing. However, these predictions have yet to be confirmed by functional studies. The variant was absent in 247964 control chromosomes. The available data on variant occurrences in the general population are insufficient to allow any conclusion about variant significance. To our knowledge, no occurrence of c.7977-15T>G in individuals affected with Hereditary Breast And Ovarian Cancer Syndrome and no experimental evidence demonstrating its impact on protein function have been reported. Four clinical diagnostic laboratories have submitted clinical-significance assessments for this variant to ClinVar after 2014 without evidence for independent evaluation and a predominant consensus towards a likely benign outcome (n=3). Based on the evidence outlined above, and the prevailing consensus interpretation, the variant was classified as likely benign.

Blueprint Genetics
Classification: Benign. Last evaluated: 2019-09-20. Review status: criteria provided, single submitter. Criteria: ACMG Guidelines, 2015. Collection method: clinical testing. Allele origin: germline.

GeneDx
Classification: Likely benign. Last evaluated: 2016-01-08. Review status: criteria provided, single submitter. Criteria: GeneDx Variant Classification (06012015). Collection method: clinical testing. Allele origin: germline. Affected: yes.
Comment: This variant is considered likely benign or benign based on one or more of the following criteria: it is a conservative change, it occurs at a poorly conserved position in the protein, it is predicted to be benign by multiple in silico algorithms, and/or has population frequency not consistent with disease.

Color Diagnostics, LLC DBA Color Health
Classification: Likely benign for Hereditary cancer-predisposing syndrome. Last evaluated: 2015-10-30. Review status: criteria provided, single submitter. Criteria: ACMG Guidelines, 2015. Collection method: clinical testing. Allele origin: germline.

Counsyl
Classification: Uncertain significance for Breast-ovarian cancer, familial, susceptibility to, 2. Last evaluated: 2016-04-13. Review status: no assertion criteria provided. Collection method: clinical testing. Allele origin: unknown. Not counted in ClinVar's aggregate classification.

Sharing Clinical Reports Project (SCRP)
Classification: Uncertain significance for Breast-ovarian cancer, familial 2. Last evaluated: 2012-03-12. Review status: no assertion criteria provided. Collection method: clinical testing. Allele origin: germline. Not counted in ClinVar's aggregate classification.

NM_000059.4(BRCA2):c.7977-15T>G

Gene: BRCA2 (BRCA2 DNA repair associated; plus strand). Cytogenetic location: 13q13.1.
Variant type: single nucleotide variant.
Coding change: c.7977-15T>G on transcript NM_000059.4 (MANE Select); 15 bases into the intron before coding-DNA position 7977, T replaced by G.
Molecular consequence: intron variant.
Genome position (GRCh38, 1-based): chr13:32,363,164, T>G. VCF-style: chr13-32363164-T-G. GRCh37 (hg19) VCF-style: chr13-32937301-T-G.
Other names: IVS17-15T>G.
Identifiers: ClinVar variation 96863 (VCV000096863.20), dbSNP rs431825361, ClinGen allele CA025371.